The following is an entry in ClinVar:

ClinVar aggregate classification (germline): Likely pathogenic (1 of 4 stars; one submission).

Conditions:
Cardiovascular phenotype. Identifiers: MedGen CN230736.

Submission:

Ambry Genetics
Classification: Likely pathogenic for Cardiovascular phenotype. Last evaluated: 2021-09-22. Review status: criteria provided, single submitter. Criteria: Ambry Variant Classification Scheme 2023. Collection method: clinical testing. Allele origin: germline.
Comment: The c.37202-1G>A intronic variant results from a G to A substitution one nucleotide upstream from coding exon 136 of the TTN gene. Exon 136 is located in the A-band region of the N2-B isoform of the titin protein and is constitutively expressed in TTN transcripts (percent spliced in or PSI 100%). This nucleotide position is highly conserved in available vertebrate species. In silico splice site analysis predicts that this alteration will weaken the native splice acceptor site and will result in the creation or strengthening of a novel splice acceptor site. This alteration disrupts the canonical splice site and is expected to cause aberrant splicing, resulting in an abnormal protein or a transcript that is subject to nonsense-mediated mRNA decay. While loss of function variants in TTN are present in 1-3% of the general population, truncating variants (a category that includes canonical splice site variants) in the A-band are the most common cause of dilated cardiomyopathy (DCM) (Herman DS et al. N. Engl. J. Med., 2012 Feb;366:619-28; Roberts AM et al. Sci Transl Med, 2015 Jan;7:270ra6). TTN truncating variants encoded in constitutive exons (PSI >90%) have been found to be significantly associated with DCM regardless of their position in titin (Schafer S et al. Nat. Genet., 2017 01;49:46-53). As such, this alteration is classified as likely pathogenic.

NM_001267550.2(TTN):c.64397-1G>A

Genes: TTN (titin; minus strand), TTN-AS1 (TTN antisense RNA 1; plus strand). Cytogenetic location: 2q31.2.
Variant type: single nucleotide variant.
Coding change: c.64397-1G>A on transcript NM_001267550.2 (MANE Select); the canonical splice acceptor site of the intron before coding-DNA position 64397, G replaced by A.
Molecular consequence: splice acceptor variant.
Genome position (GRCh38, 1-based): chr2:178,585,348, C>T on the plus strand (G>A on the coding strand, the complement: TTN is on the minus strand). VCF-style: chr2-178585348-C-T. GRCh37 (hg19) VCF-style: chr2-179450075-C-T.
Other names: c.37202-1G>A (NM_003319.4); c.37778-1G>A (NM_133437.4); c.37577-1G>A (NM_133432.3); c.56693-1G>A (NM_133378.4); c.59474-1G>A (NM_001256850.1).
Identifiers: ClinVar variation 1734292 (VCV001734292.2), dbSNP rs876657668, ClinGen allele CA349440584.